The following is an entry in ClinVar:

ClinVar aggregate classification (germline): Likely benign (1 of 4 stars; one submission).

Allele frequency attached by ClinVar (database versions not stated): gnomAD exomes 0.00036; 1000 Genomes Project 30x 0.00047.
gnomAD v4.1: 170 of 391,630 alleles (0.043%); highest among the groups gnomAD compares: Middle Eastern, 0.13%; no homozygotes.

Submission:

CeGaT Center for Human Genetics Tuebingen
Classification: Likely benign. Last evaluated: 2026-01-01. Review status: criteria provided, single submitter. Criteria: CeGaT Center For Human Genetics Tuebingen Variant Classification Criteria Version 2. Collection method: clinical testing. Allele origin: germline. Affected: yes. Observed: 4 variant alleles.
Comment: KCNQ1OT1: BS2

NM_000218.3(KCNQ1):c.1394-27846C>T

Genes: KCNQ1 (potassium voltage-gated channel subfamily Q member 1; plus strand), KCNQ1OT1 (KCNQ1 opposite strand/antisense transcript 1; minus strand). Cytogenetic location: 11p15.5.
Variant type: single nucleotide variant.
Coding change: c.1394-27846C>T on transcript NM_000218.3 (MANE Select); 27846 bases into the intron before coding-DNA position 1394, C replaced by T.
Molecular consequence: intron variant. On other transcripts: non-coding transcript variant (1).
Genome position (GRCh38, 1-based): chr11:2,634,115, C>T. VCF-style: chr11-2634115-C-T. GRCh37 (hg19) VCF-style: chr11-2655345-C-T.
Other names: c.1124-27846C>T (NM_001406837.1); c.1298-27846C>T (NM_001406836.1); c.854-27846C>T (NM_001406838.1); c.1013-27846C>T (NM_181798.2).
Identifiers: ClinVar variation 2641406 (VCV002641406.24), dbSNP rs1028748565, ClinGen allele CA216148050.